The following is an entry in ClinVar:

ClinVar aggregate classification (germline): Uncertain significance. Review status: criteria provided, multiple submitters, no conflicts (2 of 4 stars). 2 submissions from 2 submitters: Uncertain significance (2). Last evaluated 2025-12-19.

Allele frequency attached by ClinVar (database versions not stated): ExAC 0.00014; 1000 Genomes Project 30x 0.00016; gnomAD 0.00004; TOPMed 0.00004; gnomAD exomes 0.00007; 1000 Genomes Project 0.00020.
gnomAD v4.1: 114 of 1,614,088 alleles (0.0071%); highest among the groups gnomAD compares: Non-Finnish European, 0.0084%; no homozygotes.

Submissions (2):

Labcorp Genetics (formerly Invitae), Labcorp
Classification: Uncertain significance. Last evaluated: 2025-12-19. Review status: criteria provided, single submitter. Criteria: Invitae Variant Classification Sherloc (09022015). Collection method: clinical testing. Allele origin: germline.
Comment: This sequence change replaces aspartic acid, which is acidic and polar, with glycine, which is neutral and non-polar, at codon 406 of the SLCO5A1 protein (p.Asp406Gly). This variant is present in population databases (rs188945262, gnomAD 0.02%). This variant has not been reported in the literature in individuals affected with SLCO5A1-related conditions. ClinVar contains an entry for this variant (Variation ID: 2601005). An algorithm developed to predict the effect of missense changes on protein structure and function (PolyPhen-2) suggests that this variant is likely to be tolerated. In summary, the available evidence is currently insufficient to determine the role of this variant in disease. Therefore, it has been classified as a Variant of Uncertain Significance.

Ambry Genetics
Classification: Uncertain significance. Last evaluated: 2023-09-12. Review status: criteria provided, single submitter. Criteria: Ambry Variant Classification Scheme 2023. Collection method: clinical testing. Allele origin: germline.

NM_030958.3(SLCO5A1):c.1217A>G (p.Asp406Gly)

Gene: SLCO5A1 (solute carrier organic anion transporter family member 5A1; minus strand). Cytogenetic location: 8q13.3.
Variant type: single nucleotide variant.
Coding change: c.1217A>G on transcript NM_030958.3 (MANE Select); coding-DNA position 1217, A replaced by G.
Protein change: p.Asp406Gly; replaces aspartic acid 406 with glycine.
Molecular consequence: missense variant.
Genome position (GRCh38, 1-based): chr8:69,755,465, T>C on the plus strand (A>G on the coding strand, the complement: SLCO5A1 is on the minus strand). VCF-style: chr8-69755465-T-C. GRCh37 (hg19) VCF-style: chr8-70667700-T-C.
Other names: c.1217A>G, p.Asp406Gly (NM_001146008.2, NM_001146009.1); short protein forms D406G.
Identifiers: ClinVar variation 2601005 (VCV002601005.5), dbSNP rs188945262, ClinGen allele CA4776631.